The following is an entry in ClinVar:

NM_001844.5(COL2A1):c.3106C>T (p.Arg1036Ter)

Gene: COL2A1 (collagen type II alpha 1 chain; minus strand). Cytogenetic location: 12q13.11.
Variant type: single nucleotide variant.
Coding change: c.3106C>T on transcript NM_001844.5 (MANE Select); coding-DNA position 3106, C replaced by T.
Protein change: p.Arg1036Ter; replaces arginine 1036 with a stop codon.
Molecular consequence: nonsense.
Genome position (GRCh38, 1-based): chr12:47,978,015, G>A on the plus strand (C>T on the coding strand, the complement: COL2A1 is on the minus strand). VCF-style: chr12-47978015-G-A. GRCh37 (hg19) VCF-style: chr12-48371798-G-A.
Other names: c.2899C>T, p.Arg967Ter (NM_033150.3); short protein forms R1036*, R967*.
Identifiers: ClinVar variation 197503 (VCV000197503.24), dbSNP rs748459670, ClinGen allele CA303000.

ClinVar aggregate classification (germline): Pathogenic. Review status: criteria provided, multiple submitters, no conflicts (2 of 4 stars). 9 submissions from 9 submitters: Pathogenic (9). Last evaluated 2026-05-07.

Conditions:
COL2A1-related disorder. Also called: COL2A1-related condition; COL2A1-related disorders.
Stickler syndrome. Identifiers: Orphanet 828, MedGen C0265253, MONDO:0019354.
Stickler syndrome type 1 (STL1). Also called: COL2A1-Related Stickler Syndrome; ARTHROOPHTHALMOPATHY, HEREDITARY PROGRESSIVE; STICKLER SYNDROME, MEMBRANOUS VITREOUS TYPE; STICKLER SYNDROME, VITREOUS TYPE 1. Identifiers: Orphanet 828, Orphanet 90653, MedGen C2020284, MONDO:0007160, OMIM 108300.

gnomAD v4.1: 1 of 1,613,274 alleles (0.000062%); highest among the groups gnomAD compares: Non-Finnish European, 0.000085%; no homozygotes.

Submissions (9):

PreventionGenetics, part of Exact Sciences
Classification: Pathogenic for COL2A1-related condition. Last evaluated: 2026-05-07. Review status: criteria provided, single submitter. Criteria: ACMG Guidelines, 2015. Collection method: clinical testing. Allele origin: germline.
Comment: The COL2A1 c.3106C>T variant is predicted to result in premature protein termination (p.Arg1036*). This variant has been reported in several individuals with Stickler syndrome or early-onset high myopia (see for examples: Richards et al. 2006. PubMed ID: 16752401; Savasta et al. 2015. PubMed ID: 25809783; Zhou et al. 2018. PubMed ID: 29453956). This variant is present in 0.00089% of alleles in individuals of European (Non-Finnish) descent in gnomAD. Nonsense variants in COL2A1 are an established mechanism of disease. This variant is interpreted as pathogenic.

Labcorp Genetics (formerly Invitae), Labcorp
Classification: Pathogenic. Last evaluated: 2025-08-05. Review status: criteria provided, single submitter. Criteria: Invitae Variant Classification Sherloc (09022015). Collection method: clinical testing. Allele origin: germline.
Comment: This sequence change creates a premature translational stop signal (p.Arg1036*) in the COL2A1 gene. It is expected to result in an absent or disrupted protein product. Loss-of-function variants in COL2A1 are known to be pathogenic (PMID: 20179744). This variant is present in population databases (rs748459670, gnomAD 0.0009%). This premature translational stop signal has been observed in individual(s) with Stickler syndrome type 1 (PMID: 16752401, 25809783). ClinVar contains an entry for this variant (Variation ID: 197503). For these reasons, this variant has been classified as Pathogenic.

Cambridge Genomics Laboratory, East Genomic Laboratory Hub, NHS Genomic Medicine Service
Classification: Pathogenic for Stickler syndrome. Last evaluated: 2025-03-11. Review status: criteria provided, single submitter. Criteria: ACGS Best Practice Guidelines for Variant Classification in Rare Disease 2020. Collection method: clinical testing. Allele origin: germline. Affected: yes.
Comment: PVS1,PS4_Moderate,PM2

Institute of Medical Genetics and Applied Genomics, University Hospital Tübingen
Classification: Pathogenic for Stickler syndrome type 1. Last evaluated: 2025-01-29. Review status: criteria provided, single submitter. Criteria: ACMG Guidelines, 2015. Collection method: clinical testing. Allele origin: germline. Inheritance: Autosomal dominant inheritance. Affected: yes.

GeneDx
Classification: Pathogenic. Last evaluated: 2023-06-23. Review status: criteria provided, single submitter. Criteria: GeneDx Variant Classification Process June 2021. Collection method: clinical testing. Allele origin: germline. Affected: yes.
Comment: Has been reported in multiple individuals with Stickler syndrome (Richards et al., 2006; Hoornaert et al., 2010; Richards et al., 2010; Savasta et al., 2015; Barat-Houari et al., 2016a; Kondo et al., 2016; Huang et al., 2020; Choi et al., 2021); Not observed at significant frequency in large population cohorts (gnomAD); Nonsense variant predicted to result in protein truncation or nonsense mediated decay in a gene for which loss of function is a known mechanism of disease; This variant is associated with the following publications: (PMID: 25809783, 25525159, 16752401, 20179744, 23891399, 29453956, 26443184, 27408751, 29661559, 20513134, 34680973, 32756486)

ARUP Laboratories, Molecular Genetics and Genomics, ARUP Laboratories
Classification: Pathogenic. Last evaluated: 2023-02-27. Review status: criteria provided, single submitter. Criteria: ARUP Molecular Germline Variant Investigation Process 2024. Collection method: clinical testing. Allele origin: germline.
Comment: The COL2A1 c.3106C>T; p.Arg1036Ter variant (rs748459670) is reported in the literature in individuals with Stickler syndrome (Choi 2021, Richards 2006, Savasta 2015). This variant is also reported in ClinVar (Variation ID: 197503). It is only found on one allele in the Genome Aggregation Database, indicating it is not a common polymorphism. This variant induces an early termination codon and is predicted to result in a truncated protein or mRNA subject to nonsense-mediated decay. Based on available information, this variant is considered to be pathogenic. References: Choi SI et al. Genetic Characteristics and Phenotype of Korean Patients with Stickler Syndrome: A Korean Multicenter Analysis Report No. 1. Genes (Basel). 2021 Oct 5;12(10):1578. PMID: 34680973. Richards AJ et al. High efficiency of mutation detection in type 1 stickler syndrome using a two-stage approach: vitreoretinal assessment coupled with exon sequencing for screening COL2A1. Hum Mutat. 2006 Jul;27(7):696-704. PMID: 16752401. Savasta S et al. Stickler syndrome associated with epilepsy: report of three cases. Eur J Pediatr. 2015 May;174(5):697-701. PMID: 25809783.

Mendelics
Classification: Pathogenic for Stickler syndrome type 1. Last evaluated: 2019-05-28. Review status: criteria provided, single submitter. Criteria: Mendelics Assertion Criteria 2017. Collection method: clinical testing. Allele origin: unknown.

Eurofins Ntd Llc (ga)
Classification: Pathogenic. Last evaluated: 2015-09-29. Review status: criteria provided, single submitter. Criteria: EGL Classification Definitions 2015. Collection method: clinical testing. Allele origin: germline. Observed: 4 variant alleles, 4 heterozygotes.

Juno Genomics, Hangzhou Juno Genomics, Inc
Classification: Pathogenic for Stickler syndrome type 1. Review status: criteria provided, single submitter. Criteria: ACMG Guidelines, 2015. Collection method: clinical testing. Allele origin: germline. Affected: yes.
Comment: Absent from controls (or at extremely low frequency if recessive) in Genome Aggregation Database, Exome Sequencing Project, 1000 Genomes Project, or Exome Aggregation Consortium.;Null variant in a gene where loss of function (LOF) is a known mechanism of disease.;Assumed de novo, but without confirmation of paternity and maternity.;The prevalence of the variant in affected individuals is significantly increased compared to the prevalence in controls.;Co-segregation with disease in multiple affected family members in a gene definitively known to cause the disease.

Literature cited by the submitters: PubMed 20179744 (cited by Labcorp Genetics (formerly Invitae), Labcorp and Eurofins Ntd Llc (ga)); PubMed 16752401 (cited by Labcorp Genetics (formerly Invitae), Labcorp and Eurofins Ntd Llc (ga)); PubMed 25809783 (cited by Labcorp Genetics (formerly Invitae), Labcorp); PubMed 20513134 (cited by Eurofins Ntd Llc (ga)).